The following is an entry in ClinVar:

ClinVar aggregate classification (germline): Uncertain significance (1 of 4 stars; one submission).

Submission:

GeneDx
Classification: Uncertain significance. Last evaluated: 2025-03-10. Review status: criteria provided, single submitter. Criteria: GeneDx Variant Classification Process June 2021. Collection method: clinical testing. Allele origin: germline. Affected: yes.
Comment: Not observed at significant frequency in large population cohorts (gnomAD); In silico analysis supports that this missense variant has a deleterious effect on protein structure/function; Has not been previously published as pathogenic or benign to our knowledge

NM_181552.4(CUX1):c.3652A>G (p.Ser1218Gly)

Gene: CUX1 (cut like homeobox 1; plus strand). Cytogenetic location: 7q22.1.
Variant type: single nucleotide variant.
Coding change: c.3652A>G on transcript NM_181552.4 (MANE Select); coding-DNA position 3652, A replaced by G.
Protein change: p.Ser1218Gly; replaces serine 1218 with glycine.
Molecular consequence: missense variant. On other transcripts: intron variant (5).
Genome position (GRCh38, 1-based): chr7:102,239,349, A>G. VCF-style: chr7-102239349-A-G. GRCh37 (hg19) VCF-style: chr7-101882629-A-G.
Other names: c.3685A>G, p.Ser1229Gly (NM_001202543.2); c.1256-34017A>G (NM_001913.5); c.1250-34017A>G (NM_181500.4); c.1118-34017A>G (NM_001202545.3); c.1208-34017A>G (NM_001202544.3); c.1139-34017A>G (NM_001202546.3); short protein forms S1218G, S1229G.
Identifiers: ClinVar variation 4083026 (VCV004083026.1).